The following is an entry in ClinVar:

ClinVar aggregate classification (germline): Uncertain significance (1 of 4 stars; one submission).

Conditions:
Hereditary cancer-predisposing syndrome. Also called: Hereditary Cancer Syndrome; Hereditary neoplastic syndrome; Neoplastic Syndromes, Hereditary; Tumor predisposition. Identifiers: Orphanet 140162, MedGen C0027672, MeSH D009386, MONDO:0015356.

Submission:

Ambry Genetics
Classification: Uncertain significance for Hereditary cancer-predisposing syndrome. Last evaluated: 2025-04-04. Review status: criteria provided, single submitter. Criteria: Ambry Variant Classification Scheme 2023. Collection method: clinical testing. Allele origin: germline.
Comment: The p.G749E variant (also known as c.2246G>A), located in coding exon 15 of the MSH3 gene, results from a G to A substitution at nucleotide position 2246. The glycine at codon 749 is replaced by glutamic acid, an amino acid with similar properties. This amino acid position is conserved. In addition, this alteration is predicted to be deleterious by in silico analysis. Based on the available evidence, the clinical significance of this variant remains unclear.

NM_002439.5(MSH3):c.2246G>A (p.Gly749Glu)

Gene: MSH3 (mutS homolog 3; plus strand). Cytogenetic location: 5q14.1.
Variant type: single nucleotide variant.
Coding change: c.2246G>A on transcript NM_002439.5 (MANE Select); coding-DNA position 2246, G replaced by A.
Protein change: p.Gly749Glu; replaces glycine 749 with glutamic acid.
Molecular consequence: missense variant.
Genome position (GRCh38, 1-based): chr5:80,768,996, G>A. VCF-style: chr5-80768996-G-A. GRCh37 (hg19) VCF-style: chr5-80064815-G-A.
Other names: short protein forms G749E.
Identifiers: ClinVar variation 3913622 (VCV003913622.1).